The following is an entry in ClinVar:

NM_005188.4(CBL):c.2086G>A (p.Glu696Lys)

Gene: CBL (Cbl proto-oncogene; plus strand). Cytogenetic location: 11q23.3.
Variant type: single nucleotide variant.
Coding change: c.2086G>A on transcript NM_005188.4 (MANE Select); coding-DNA position 2086, G replaced by A.
Protein change: p.Glu696Lys; replaces glutamic acid 696 with lysine.
Molecular consequence: missense variant.
Genome position (GRCh38, 1-based): chr11:119,296,967, G>A. VCF-style: chr11-119296967-G-A. GRCh37 (hg19) VCF-style: chr11-119167677-G-A.
Other names: c.2086G>A (NM_005188.2); short protein forms E696K.
Identifiers: ClinVar variation 1354447 (VCV001354447.11), dbSNP rs539217274, ClinGen allele CA6318680.

ClinVar aggregate classification (germline): Conflicting classifications of pathogenicity. Review status: criteria provided, conflicting classifications (1 of 4 stars). 3 submissions from 3 submitters: Uncertain significance (2); Likely benign (1). Last evaluated 2025-07-23.

Conditions:
Cardiovascular phenotype. Identifiers: MedGen CN230736.
CBL-related disorder. Also called: NOONAN SYNDROME-LIKE DISORDER WITHOUT JUVENILE MYELOMONOCYTIC LEUKEMIA; CBL MUTATION-ASSOCIATED SYNDROME; CBL SYNDROME. Identifiers: Orphanet 363972, MedGen C3150803, MONDO:0013308, OMIM 613563.
Juvenile myelomonocytic leukemia (JMML). Also called: LEUKEMIA, JUVENILE MYELOMONOCYTIC, SOMATIC. Identifiers: Orphanet 86834, MedGen C0349639, MONDO:0011908, OMIM 607785, HP:0012209.
RASopathy. Also called: Noonan spectrum disorder; rasopathies. Identifiers: Orphanet 536391, MedGen C5555857, MONDO:0021060.

Allele frequency attached by ClinVar (database versions not stated): gnomAD 0.00001; gnomAD exomes 0.00001; ExAC 0.00002; TOPMed 0.00003; 1000 Genomes Project 0.00020; 1000 Genomes Project 30x 0.00031.
gnomAD v4.1: 13 of 1,612,628 alleles (0.00081%); highest among the groups gnomAD compares: East Asian, 0.018%; 1 homozygote.

Submissions (3):

Labcorp Genetics (formerly Invitae), Labcorp
Classification: Likely benign for RASopathy. Last evaluated: 2025-07-23. Review status: criteria provided, single submitter. Criteria: Invitae Variant Classification Sherloc (09022015). Collection method: clinical testing. Allele origin: germline.

Ambry Genetics
Classification: Uncertain significance for Cardiovascular phenotype. Last evaluated: 2025-02-16. Review status: criteria provided, single submitter. Criteria: Ambry Variant Classification Scheme 2023. Collection method: clinical testing. Allele origin: germline.
Comment: The p.E696K variant (also known as c.2086G>A), located in coding exon 13 of the CBL gene, results from a G to A substitution at nucleotide position 2086. The glutamic acid at codon 696 is replaced by lysine, an amino acid with similar properties. This amino acid position is conserved. In addition, the in silico prediction for this alteration is inconclusive. Since supporting evidence is limited at this time, the clinical significance of this alteration remains unclear.

Fulgent Genetics
Classification: Uncertain significance for Juvenile myelomonocytic leukemia; CBL-related disorder. Last evaluated: 2021-08-24. Review status: criteria provided, single submitter. Criteria: ACMG Guidelines, 2015. Collection method: clinical testing. Allele origin: unknown.